The following is an entry in ClinVar:

NM_000059.4(BRCA2):c.4267A>G (p.Thr1423Ala)

Gene: BRCA2 (BRCA2 DNA repair associated; plus strand). Cytogenetic location: 13q13.1.
Variant type: single nucleotide variant.
Coding change: c.4267A>G on transcript NM_000059.4 (MANE Select); coding-DNA position 4267, A replaced by G.
Protein change: p.Thr1423Ala; replaces threonine 1423 with alanine.
Molecular consequence: missense variant.
Genome position (GRCh38, 1-based): chr13:32,338,622, A>G. VCF-style: chr13-32338622-A-G. GRCh37 (hg19) VCF-style: chr13-32912759-A-G.
Other names: c.4267A>G, p.Thr1423Ala (NM_001406719.1, NM_001406720.1); short protein forms T1423A.
Identifiers: ClinVar variation 1739209 (VCV001739209.4), dbSNP rs779130725, ClinGen allele CA6940765.
Genomic context (GRCh38, chr13:32,338,622, plus strand): 5'-ACTTCAAATAAAGAACAGTTAACTGCTACTAAAACGGAGCAAAATATAAAAGATTTTGAG[A>G]CTTCTGATACATTTTTTCAGACTGCAAGTGGGAAAAATATTAGTGTCGCCAAAGAGTCAT-3'
Protein context (NP_000050.3, residues 1413-1433): KTEQNIKDFE[Thr1423Ala]SDTFFQTASG

ClinVar aggregate classification (germline): Conflicting classifications of pathogenicity. Review status: criteria provided, conflicting classifications (1 of 4 stars). 2 submissions from 2 submitters: Uncertain significance (1); Likely benign (1). Last evaluated 2023-03-23.

Conditions:
Hereditary cancer-predisposing syndrome. Also called: Hereditary Cancer Syndrome; Hereditary neoplastic syndrome; Neoplastic Syndromes, Hereditary; Tumor predisposition. Identifiers: Orphanet 140162, MedGen C0027672, MeSH D009386, MONDO:0015356.

Allele frequency attached by ClinVar (database versions not stated): gnomAD exomes below 0.00001; ExAC 0.00001.
gnomAD v4.1: 1 of 1,597,086 alleles (0.000063%); highest among the groups gnomAD compares: South Asian, 0.0011%; no homozygotes.

Submissions (2):

University of Washington Department of Laboratory Medicine, University of Washington
Classification: Likely benign for Hereditary cancer-predisposing syndrome. Last evaluated: 2023-03-23. Review status: criteria provided, single submitter. Criteria: Dines et al. (Genet Med. 2020). Collection method: curation. Allele origin: germline.
Comment: Missense variant in a coldspot region where missense variants are very unlikely to be pathogenic (PMID:31911673).

BRCA2 exon 11 coldspot. Reclassification based on statistical prior probability.

Ambry Genetics
Classification: Uncertain significance for Hereditary cancer-predisposing syndrome. Last evaluated: 2022-07-29. Review status: criteria provided, single submitter. Criteria: Ambry Variant Classification Scheme 2023. Collection method: clinical testing. Allele origin: germline.
Comment: The p.T1423A variant (also known as c.4267A>G), located in coding exon 10 of the BRCA2 gene, results from an A to G substitution at nucleotide position 4267. The threonine at codon 1423 is replaced by alanine, an amino acid with similar properties. This amino acid position is conserved. In addition, this alteration is predicted to be tolerated by in silico analysis. Since supporting evidence is limited at this time, the clinical significance of this alteration remains unclear.